The following is an entry in ClinVar:

ClinVar aggregate classification (germline): Uncertain significance (1 of 4 stars; one submission).

Conditions:
Charcot-Marie-Tooth disease type 4. Also called: Charcot-Marie-Tooth disease, type IV; Charcot-Marie-Tooth, Type 4. Identifiers: Orphanet 64749, MedGen C4082197, MONDO:0018995.

Allele frequency attached by ClinVar (database versions not stated): gnomAD exomes below 0.00001 and 0.00001; ExAC 0.00001; gnomAD 0.00001; TOPMed 0.00001.
gnomAD v4.1: 8 of 1,612,730 alleles (0.0005%); highest among the groups gnomAD compares: Admixed American, 0.0017%; no homozygotes.

Submission:

Labcorp Genetics (formerly Invitae), Labcorp
Classification: Uncertain significance for Charcot-Marie-Tooth disease type 4. Last evaluated: 2022-03-25. Review status: criteria provided, single submitter. Criteria: Invitae Variant Classification Sherloc (09022015). Collection method: clinical testing. Allele origin: germline.
Comment: This variant has not been reported in the literature in individuals affected with SH3TC2-related conditions. This sequence change replaces serine, which is neutral and polar, with phenylalanine, which is neutral and non-polar, at codon 422 of the SH3TC2 protein (p.Ser422Phe). This variant is present in population databases (rs754865697, gnomAD 0.003%). ClinVar contains an entry for this variant (Variation ID: 1046106). Advanced modeling of protein sequence and biophysical properties (such as structural, functional, and spatial information, amino acid conservation, physicochemical variation, residue mobility, and thermodynamic stability) performed at Invitae indicates that this missense variant is not expected to disrupt SH3TC2 protein function. In summary, the available evidence is currently insufficient to determine the role of this variant in disease. Therefore, it has been classified as a Variant of Uncertain Significance.

NM_024577.4(SH3TC2):c.1265C>T (p.Ser422Phe)

Gene: SH3TC2 (SH3 domain and tetratricopeptide repeats 2; minus strand). Cytogenetic location: 5q32.
Variant type: single nucleotide variant.
Coding change: c.1265C>T on transcript NM_024577.4 (MANE Select); coding-DNA position 1265, C replaced by T.
Protein change: p.Ser422Phe; replaces serine 422 with phenylalanine.
Molecular consequence: missense variant.
Genome position (GRCh38, 1-based): chr5:149,028,467, G>A on the plus strand (C>T on the coding strand, the complement: SH3TC2 is on the minus strand). VCF-style: chr5-149028467-G-A. GRCh37 (hg19) VCF-style: chr5-148408030-G-A.
Other names: short protein forms S422F.
Identifiers: ClinVar variation 1046106 (VCV001046106.7), dbSNP rs754865697, ClinGen allele CA3499214.
Genomic context (GRCh38, chr5:149,028,467, plus strand): 5'-GGCAGGCGATAGCTGTCTGAGGTGGCCGAGAGGAGCTCCTCCTCCAGGCTGGAGTCCTCA[G>A]AGCTGCTGGACTGTCTGGACCCCACGGCCTGATGCTCCTCCCAGGCTCTGCCAGGCCTGA-3'
Protein context (NP_078853.2, residues 412-432): QAVGSRQSSS[Ser422Phe]EDSSLEEELL